The following is an entry in ClinVar:

NM_001365951.3(KIF1B):c.2716G>A (p.Asp906Asn)

Genes: KIF1B (kinesin family member 1B; plus strand), LOC126805614 (BRD4-independent group 4 enhancer GRCh37_chr1:10385546-10386745; plus strand). Cytogenetic location: 1p36.22.
Variant type: single nucleotide variant.
Coding change: c.2716G>A on transcript NM_001365951.3 (MANE Select); coding-DNA position 2716, G replaced by A.
Protein change: p.Asp906Asn; replaces aspartic acid 906 with asparagine.
Molecular consequence: missense variant.
Genome position (GRCh38, 1-based): chr1:10,326,151, G>A. VCF-style: chr1-10326151-G-A. GRCh37 (hg19) VCF-style: chr1-10386209-G-A.
Other names: c.2716G>A, p.Asp906Asn (NM_001365952.1); c.2578G>A, p.Asp860Asn (NM_015074.3); short protein forms D860N, D906N.
Identifiers: ClinVar variation 1400237 (VCV001400237.9), dbSNP rs758389718, ClinGen allele CA581596.

ClinVar aggregate classification (germline): Conflicting classifications of pathogenicity. Review status: criteria provided, conflicting classifications (1 of 4 stars). 3 submissions from 3 submitters: Uncertain significance (2); Likely benign (1). Last evaluated 2023-05-01.

Conditions:
Charcot-Marie-Tooth disease type 2. Also called: Charcot-Marie-Tooth type 2. Identifiers: Orphanet 64746, MedGen C0270914, MONDO:0018993.

Allele frequency attached by ClinVar (database versions not stated): gnomAD exomes below 0.00001; ExAC 0.00001.
gnomAD v4.1: 14 of 1,613,920 alleles (0.00087%); highest among the groups gnomAD compares: Middle Eastern, 0.033%; no homozygotes.

Submissions (3):

Labcorp Genetics (formerly Invitae), Labcorp
Classification: Uncertain significance for Charcot-Marie-Tooth disease type 2. Last evaluated: 2023-05-01. Review status: criteria provided, single submitter. Criteria: Invitae Variant Classification Sherloc (09022015). Collection method: clinical testing. Allele origin: germline.
Comment: In summary, the available evidence is currently insufficient to determine the role of this variant in disease. Therefore, it has been classified as a Variant of Uncertain Significance. ClinVar contains an entry for this variant (Variation ID: 1400237). This variant has not been reported in the literature in individuals affected with KIF1B-related conditions. This variant is present in population databases (rs758389718, gnomAD 0.008%). This sequence change replaces aspartic acid, which is acidic and polar, with asparagine, which is neutral and polar, at codon 860 of the KIF1B protein (p.Asp860Asn). An algorithm developed to predict the effect of missense changes on protein structure and function (PolyPhen-2) suggests that this variant is likely to be disruptive.

Ambry Genetics
Classification: Likely benign. Last evaluated: 2021-03-16. Review status: criteria provided, single submitter. Criteria: Ambry Variant Classification Scheme 2023. Collection method: clinical testing. Allele origin: germline.

Breakthrough Genomics
Classification: Uncertain significance. Review status: criteria provided, single submitter. Criteria: ACMG Guidelines, 2015. Collection method: not provided. Allele origin: germline. Inheritance: Autosomal dominant inheritance. Affected: yes.